The following is an entry in ClinVar:

ClinVar aggregate classification (germline): Conflicting classifications of pathogenicity. Review status: criteria provided, conflicting classifications (1 of 4 stars). 2 submissions from 2 submitters: Uncertain significance (1); Likely benign (1). Last evaluated 2021-08-24.

Conditions:
Koolen-de Vries syndrome (KDVS). Identifiers: Orphanet 96169, MedGen C1864871, MONDO:0012496, OMIM 610443.

Allele frequency attached by ClinVar (database versions not stated): gnomAD exomes 0.00001; TOPMed 0.00001; ExAC 0.00002; gnomAD 0.00002.
gnomAD v4.1: 11 of 1,614,056 alleles (0.00068%); highest among the groups gnomAD compares: Non-Finnish European, 0.00093%; no homozygotes.

Submissions (2):

Labcorp Genetics (formerly Invitae), Labcorp
Classification: Uncertain significance for Koolen-de Vries syndrome. Last evaluated: 2021-08-24. Review status: criteria provided, single submitter. Criteria: Invitae Variant Classification Sherloc (09022015). Collection method: clinical testing. Allele origin: germline.
Comment: Due to the possible presence of a polymorphic segmental duplication, the location of the variant could not be unambiguously resolved. Variants with ambiguous mapping are still reported relative to the KANSL1 transcript. This sequence change replaces isoleucine with valine at codon 284 of the KANSL1 protein (p.Ile284Val). The isoleucine residue is highly conserved and there is a small physicochemical difference between isoleucine and valine. This variant is present in population databases (rs766991003, ExAC 0.003%). This variant has not been reported in the literature in individuals with KANSL1-related conditions. Algorithms developed to predict the effect of missense changes on protein structure and function (SIFT, PolyPhen-2, Align-GVGD) all suggest that this variant is likely to be tolerated. Algorithms developed to predict the effect of sequence changes on RNA splicing suggest that this variant may create or strengthen a splice site. Until the location of this sequence change can be resolved, the clinical significance of this variant remains uncertain. It has been classified as a Variant of Uncertain Significance.

CeGaT Center for Human Genetics Tuebingen
Classification: Likely benign. Last evaluated: 2020-07-01. Review status: criteria provided, single submitter. Criteria: CeGaT Center For Human Genetics Tuebingen Variant Classification Criteria Version 2. Collection method: clinical testing. Allele origin: germline. Affected: yes. Observed: 1 variant allele.

NM_015443.4(KANSL1):c.850A>G (p.Ile284Val)

Gene: KANSL1 (KAT8 regulatory NSL complex subunit 1). Cytogenetic location: 17q21.31.
Variant type: single nucleotide variant.
Coding change: c.850A>G on transcript NM_015443.4 (MANE Select); coding-DNA position 850, A replaced by G.
Protein change: p.Ile284Val; replaces isoleucine 284 with valine.
Molecular consequence: missense variant.
Genome position (GRCh38, 1-based): chr17:46,171,294, T>C on the plus strand (A>G on the coding strand, the complement: KANSL1 is on the minus strand). VCF-style: chr17-46171294-T-C. GRCh37 (hg19) VCF-style: chr17-44248660-T-C.
Other names: c.850A>G, p.Ile284Val (NM_001193465.2, NM_001193466.2, NM_001379198.1); short protein forms I284V.
Identifiers: ClinVar variation 839541 (VCV000839541.42), dbSNP rs766991003, ClinGen allele CA8618942.